The following is an entry in ClinVar:

NM_021167.5(GATAD1):c.786G>C (p.Lys262Asn)

Gene: GATAD1 (GATA zinc finger domain containing 1; plus strand). Cytogenetic location: 7q21.2.
Variant type: single nucleotide variant.
Coding change: c.786G>C on transcript NM_021167.5 (MANE Select); coding-DNA position 786, G replaced by C.
Protein change: p.Lys262Asn; replaces lysine 262 with asparagine.
Molecular consequence: missense variant. On other transcripts: non-coding transcript variant (1).
Genome position (GRCh38, 1-based): chr7:92,456,538, G>C. VCF-style: chr7-92456538-G-C. GRCh37 (hg19) VCF-style: chr7-92085852-G-C.
Other names: short protein forms K262N.
Identifiers: ClinVar variation 3227586 (VCV003227586.1), dbSNP rs2484541572, ClinGen allele CA368163112.
Genomic context (GRCh38, chr7:92,456,538, plus strand): 5'-CAGACCAGAGAAGGGCTACATATGGACTCATGTTGGGCCTACTCCTGCAATAACAATTAA[G>C]GAATCAGTTGCCAACCATTTGTAGTTCACAAATTAAAACTGGGTTTCCAGGCCTGGTGTG-3'
Protein context (NP_066990.3, residues 252-269): HVGPTPAITI[Lys262Asn]ESVANHL

ClinVar aggregate classification (germline): Uncertain significance (1 of 4 stars; one submission).

Conditions:
Cardiovascular phenotype. Identifiers: MedGen CN230736.

Submission:

Ambry Genetics
Classification: Uncertain significance for Cardiovascular phenotype. Last evaluated: 2023-11-09. Review status: criteria provided, single submitter. Criteria: Ambry Variant Classification Scheme 2023. Collection method: clinical testing. Allele origin: germline.
Comment: The p.K262N variant (also known as c.786G>C), located in coding exon 5 of the GATAD1 gene, results from a G to C substitution at nucleotide position 786. The lysine at codon 262 is replaced by asparagine, an amino acid with similar properties. This amino acid position is conserved. In addition, this alteration is predicted to be tolerated by in silico analysis. Since supporting evidence is limited at this time, the clinical significance of this alteration remains unclear.